The following is an entry in ClinVar:

ClinVar aggregate classification (germline): Uncertain significance (1 of 4 stars; one submission).

Conditions:
Acquired polycythemia vera. Also called: POLYCYTHEMIA RUBRA VERA; Suspected polycythemia vera; Polycythemia vera, somatic. Identifiers: Orphanet 729, MedGen C0032463, MeSH D011087, MONDO:0009891, OMIM 263300.
Primary familial polycythemia due to EPO receptor mutation. Also called: POLYCYTHEMIA, PRIMARY FAMILIAL AND CONGENITAL; Erythrocytosis, familial, 1; Primary Familial Congenital Polycythemia; ERYTHROCYTOSIS, SOMATIC. Identifiers: Orphanet 90042, MedGen C4551637, MONDO:0007572, OMIM 133100.
Acute myeloid leukemia (AML). Also called: Leukemia, acute myeloid, somatic; Acute myeloid leukemia, adult; AML adult; Acute non-lymphocytic leukemia; Acute granulocytic leukemia; Leukemia, acute myelogenous, somatic. Identifiers: Orphanet 519, MedGen C0023467, MeSH D015470, MONDO:0018874, OMIM 601626, HP:0004808. Disease mechanism: Constitutively activated FLT3.
Primary myelofibrosis. Also called: Myelofibrosis, somatic. Identifiers: Orphanet 824, MedGen C0001815, MeSH D055728, MONDO:0009692, OMIM 254450.
Thrombocythemia 3 (THCYT3). Also called: THROMBOCYTOSIS 3; THROMBOCYTHEMIA 3, SOMATIC. Identifiers: MedGen C3281125, MONDO:0013794, OMIM 614521.
Budd-Chiari syndrome (BDCHS). Also called: Hepatic vein obstruction. Identifiers: Orphanet 131, MedGen C0856761, MONDO:0010947, OMIM 600880, HP:0002639.

Submission:

Juno Genomics, Hangzhou Juno Genomics, Inc
Classification: Uncertain significance for Budd-Chiari syndrome; Primary familial polycythemia due to EPO receptor mutation; Acute myeloid leukemia; Primary myelofibrosis; Acquired polycythemia vera; Thrombocythemia 3. Review status: criteria provided, single submitter. Criteria: ACMG Guidelines, 2015. Collection method: clinical testing. Allele origin: germline.
Comment: Absent from controls (or at extremely low frequency if recessive) in Genome Aggregation Database.

NM_004972.4(JAK2):c.3002T>A (p.Leu1001Ter)

Genes: INSL6 (insulin like 6; minus strand), JAK2 (Janus kinase 2; plus strand). Cytogenetic location: 9p24.1.
Variant type: single nucleotide variant.
Coding change: c.3002T>A on transcript NM_004972.4 (MANE Select); coding-DNA position 3002, T replaced by A.
Protein change: p.Leu1001Ter; replaces leucine 1001 with a stop codon.
Molecular consequence: nonsense. On other transcripts: non-coding transcript variant (2).
Genome position (GRCh38, 1-based): chr9:5,090,854, T>A. VCF-style: chr9-5090854-T-A. GRCh37 (hg19) VCF-style: chr9-5090854-T-A.
Other names: c.1787T>A, p.Leu596Ter (NM_001322199.2, NM_001322198.2); c.2555T>A, p.Leu852Ter (NM_001322204.2); c.3002T>A, p.Leu1001Ter (NM_001322194.2, NM_001322195.2, NM_001322196.2); short protein forms L1001*, L596*, L852*.
Identifiers: ClinVar variation 5007453 (VCV005007453.2).